The following is an entry in ClinVar:

NM_000256.3(MYBPC3):c.1028C>T (p.Thr343Ile)

Gene: MYBPC3 (myosin binding protein C3; minus strand). Cytogenetic location: 11p11.2.
Variant type: single nucleotide variant.
Coding change: c.1028C>T on transcript NM_000256.3 (MANE Select); coding-DNA position 1028, C replaced by T.
Protein change: p.Thr343Ile; replaces threonine 343 with isoleucine.
Molecular consequence: missense variant.
Genome position (GRCh38, 1-based): chr11:47,346,269, G>A on the plus strand (C>T on the coding strand, the complement: MYBPC3 is on the minus strand). VCF-style: chr11-47346269-G-A. GRCh37 (hg19) VCF-style: chr11-47367820-G-A.
Other names: short protein forms T343I.
Identifiers: ClinVar variation 2773756 (VCV002773756.2), dbSNP rs2495770925, ClinGen allele CA380331288.

ClinVar aggregate classification (germline): Uncertain significance (1 of 4 stars; one submission).

Conditions:
Cardiomyopathy (CMYO). Also called: Cardiomyopathies. Identifiers: Orphanet 167848, MedGen C0878544, MONDO:0004994, HP:0001638. Inheritance: Various modes of inheritance.

Submission:

Color Diagnostics, LLC DBA Color Health
Classification: Uncertain significance for Cardiomyopathy. Last evaluated: 2024-03-06. Review status: criteria provided, single submitter. Criteria: ACMG Guidelines, 2015. Collection method: clinical testing. Allele origin: germline.
Comment: This missense variant replaces threonine with isoleucine at codon 343 of the MYBPC3 protein. Computational prediction is inconclusive regarding the impact of this variant on protein structure and function (internally defined REVEL score threshold 0.5 < inconclusive < 0.7, PMID: 27666373). To our knowledge, functional studies have not been reported for this variant. This variant has not been reported in individuals affected with cardiovascular disorders in the literature. This variant has not been identified in the general population by the Genome Aggregation Database (gnomAD). The available evidence is insufficient to determine the role of this variant in disease conclusively. Therefore, this variant is classified as a Variant of Uncertain Significance.